The following is an entry in ClinVar:

NM_001453.3(FOXC1):c.244dup (p.Ser82fs)

Genes: FOXC1 (forkhead box C1; plus strand), LOC129995601 (ATAC-STARR-seq lymphoblastoid active region 23864; plus strand). Cytogenetic location: 6p25.3.
Variant type: Duplication.
Coding change: c.244dup on transcript NM_001453.3 (MANE Select); coding-DNA position 244, one base duplicated (A; older notation c.244dupA).
Protein change: p.Ser82fs; shifts the reading frame from serine 82.
Molecular consequence: frameshift variant.
Genome position (GRCh38, 1-based): chr6:1,610,689, A duplicated. VCF-style (leftmost placement, unchanged base first): chr6-1610688-T-TA. GRCh37 (hg19) VCF-style: chr6-1610923-T-TA.
Other names: short protein forms S82fs.
Identifiers: ClinVar variation 1072188 (VCV001072188.9), dbSNP rs2113111289, ClinGen allele CA2499218185.

ClinVar aggregate classification (germline): Pathogenic (1 of 4 stars; one submission).

Conditions:
Axenfeld-Rieger syndrome type 3 (RIEG3). Also called: AXENFELD-RIEGER ANOMALY WITH CARDIAC DEFECTS AND/OR SENSORINEURAL HEARING LOSS. Identifiers: Orphanet 782, MedGen C2678503, MONDO:0011233, OMIM 602482.

Submission:

Labcorp Genetics (formerly Invitae), Labcorp
Classification: Pathogenic for Axenfeld-Rieger syndrome type 3. Last evaluated: 2023-06-03. Review status: criteria provided, single submitter. Criteria: Invitae Variant Classification Sherloc (09022015). Collection method: clinical testing. Allele origin: germline.
Comment: For these reasons, this variant has been classified as Pathogenic. This variant disrupts a region of the FOXC1 protein in which other variant(s) (p.Ala381Glyfs*147) have been determined to be pathogenic (PMID: 11170889, 16936096, 20881294). This suggests that this is a clinically significant region of the protein, and that variants that disrupt it are likely to be disease-causing. ClinVar contains an entry for this variant (Variation ID: 1072188). This variant has not been reported in the literature in individuals affected with FOXC1-related conditions. This variant is not present in population databases (gnomAD no frequency). This sequence change creates a premature translational stop signal (p.Ser82Lysfs*224) in the FOXC1 gene. While this is not anticipated to result in nonsense mediated decay, it is expected to disrupt the last 472 amino acid(s) of the FOXC1 protein.

Literature cited by the submitters: PubMed 11170889; PubMed 16936096; PubMed 20881294.